The following is an entry in ClinVar:

NM_020436.5(SALL4):c.2207T>C (p.Val736Ala)

Gene: SALL4 (spalt like transcription factor 4; minus strand). Cytogenetic location: 20q13.2.
Variant type: single nucleotide variant.
Coding change: c.2207T>C on transcript NM_020436.5 (MANE Select); coding-DNA position 2207, T replaced by C.
Protein change: p.Val736Ala; replaces valine 736 with alanine.
Molecular consequence: missense variant. On other transcripts: intron variant (1).
Genome position (GRCh38, 1-based): chr20:51,790,276, A>G on the plus strand (T>C on the coding strand, the complement: SALL4 is on the minus strand). VCF-style: chr20-51790276-A-G. GRCh37 (hg19) VCF-style: chr20-50406815-A-G.
Other names: c.1150+1057T>C (NM_001318031.2); short protein forms V736A.
Identifiers: ClinVar variation 3239084 (VCV003239084.20), dbSNP rs1251025121.
Genomic context (GRCh38, chr20:51,790,276, plus strand): 5'-CTCTCCACGGAACCGTTTTCTCTGCTGCCCTGGCGCTGCAGGTTAAAAGGGGCAGGACCC[A>G]CTTTCCCTGGGGCATCTAAGGAAGCCATCATGGCAAACCCTAGCGTGGGTGATGCCGAGT-3'
Protein context (NP_065169.1, residues 726-746): MMASLDAPGK[Val736Ala]GPAPFNLQRQ

ClinVar aggregate classification (germline): Uncertain significance. Review status: criteria provided, multiple submitters, no conflicts (2 of 4 stars). 2 submissions from 2 submitters: Uncertain significance (2). Last evaluated 2025-09-07.

Conditions:
Duane-radial ray syndrome (DRRS). Also called: ACRORENOOCULAR SYNDROME; DR SYNDROME; DUANE ANOMALY WITH RADIAL RAY ABNORMALITIES AND DEAFNESS; Okihiro Syndrome; Duane-Radial Ray Syndrome (DRRS) / Okihiro Syndrome; Duane-Radial Ray Syndrome/Okihiro Syndrome. Identifiers: Orphanet 93293, Orphanet 959, MedGen C1623209, MONDO:0011812, OMIM 607323. Disease mechanism: gain of function.

Allele frequency attached by ClinVar (database versions not stated): gnomAD exomes below 0.00001; TOPMed below 0.00001.
gnomAD v4.1: 3 of 1,614,164 alleles (0.00019%); highest among the groups gnomAD compares: Non-Finnish European, 0.00025%; no homozygotes.

Submissions (2):

Labcorp Genetics (formerly Invitae), Labcorp
Classification: Uncertain significance for Duane-radial ray syndrome. Last evaluated: 2025-09-07. Review status: criteria provided, single submitter. Criteria: Invitae Variant Classification Sherloc (09022015). Collection method: clinical testing. Allele origin: germline.
Comment: This sequence change replaces valine, which is neutral and non-polar, with alanine, which is neutral and non-polar, at codon 736 of the SALL4 protein (p.Val736Ala). This variant is present in population databases (no rsID available, gnomAD 0.007%). This variant has not been reported in the literature in individuals affected with SALL4-related conditions. ClinVar contains an entry for this variant (Variation ID: 3239084). An algorithm developed to predict the effect of missense changes on protein structure and function outputs the following: PolyPhen-2: "Benign". The alanine amino acid residue is found in multiple mammalian species, which suggests that this missense change does not adversely affect protein function. In summary, the available evidence is currently insufficient to determine the role of this variant in disease. Therefore, it has been classified as a Variant of Uncertain Significance.

CeGaT Center for Human Genetics Tuebingen
Classification: Uncertain significance. Last evaluated: 2024-05-01. Review status: criteria provided, single submitter. Criteria: CeGaT Center For Human Genetics Tuebingen Variant Classification Criteria Version 2. Collection method: clinical testing. Allele origin: germline. Affected: yes. Observed: 1 variant allele.
Comment: SALL4: PM2, BP4